The following is an entry in ClinVar:

ClinVar aggregate classification (germline): Uncertain significance (1 of 4 stars; one submission).

Conditions:
Epidermolysis bullosa simplex 3, localized or generalized intermediate, with BP230 deficiency (EBS3). Also called: Epidermolysis bullosa simplex, autosomal recessive 2; Epidermolysis bullosa simplex due to BP230 deficiency. Identifiers: Orphanet 412181, MedGen C3809470, MONDO:0014180, OMIM 615425.
Hereditary sensory and autonomic neuropathy type 6. Also called: Neuropathy, hereditary sensory and autonomic, type VI; HSAN VI. Identifiers: Orphanet 314381, MedGen C3539003, MONDO:0013839, OMIM 614653.

gnomAD v4.1: 6 of 1,609,242 alleles (0.00037%); highest among the groups gnomAD compares: South Asian, 0.0022%; no homozygotes.

Submission:

Labcorp Genetics (formerly Invitae), Labcorp
Classification: Uncertain significance for Epidermolysis bullosa simplex 3, localized or generalized intermediate, with BP230 deficiency; Hereditary sensory and autonomic neuropathy type 6. Last evaluated: 2021-08-27. Review status: criteria provided, single submitter. Criteria: Invitae Variant Classification Sherloc (09022015). Collection method: clinical testing. Allele origin: germline.
Comment: This sequence change replaces isoleucine with lysine at codon 2162 of the DST protein (p.Ile2162Lys). The isoleucine residue is highly conserved and there is a moderate physicochemical difference between isoleucine and lysine. This variant is present in population databases (rs772176534, ExAC 0.006%). This variant has not been reported in the literature in individuals affected with DST-related conditions. Algorithms developed to predict the effect of missense changes on protein structure and function (SIFT, PolyPhen-2, Align-GVGD) all suggest that this variant is likely to be disruptive. In summary, the available evidence is currently insufficient to determine the role of this variant in disease. Therefore, it has been classified as a Variant of Uncertain Significance.

NM_001723.7(DST):c.6485T>A (p.Ile2162Lys)

Gene: DST (dystonin; minus strand). Cytogenetic location: 6p12.1.
Variant type: single nucleotide variant.
Coding change: c.6485T>A on transcript NM_001723.7 (MANE Plus Clinical); coding-DNA position 6485, T replaced by A.
Protein change: p.Ile2162Lys; replaces isoleucine 2162 with lysine.
Molecular consequence: missense variant. On other transcripts: intron variant (10).
Genome position (GRCh38, 1-based): chr6:56,616,982, A>T on the plus strand (T>A on the coding strand, the complement: DST is on the minus strand). VCF-style: chr6-56616982-A-T. GRCh37 (hg19) VCF-style: chr6-56481780-A-T.
Other names: c.4831-2498T>A (NM_001144769.5); c.4930-2498T>A (NM_001374722.1, NM_001374736.1); c.4957-2498T>A (NM_001374734.1); c.4417-2498T>A (NM_001144770.2); c.4297-2498T>A (NM_001374730.1, NM_001386100.1, NM_183380.4 and 1 more transcripts); c.3319-2498T>A (NM_015548.5); short protein forms I2162K.
Identifiers: ClinVar variation 964574 (VCV000964574.7), dbSNP rs772176534, ClinGen allele CA3870151.
Genomic context (GRCh38, chr6:56,616,982, plus strand): 5'-TCAATTATAAAACCTGTTGCAGCCTGAGCTTCTAAAAATGCCAAAGCCACCATTTTGTCT[A>T]TTATGATTCTCTCGGCCGCTGAGGCAAATGAAATCTTTTCTTTTGTAGATTCTAGGTAAA-3'
Protein context (NP_001714.1, residues 2152-2172): SFASAAERII[Ile2162Lys]DKMVALAFLE